The following is an entry in ClinVar:

NM_001374736.1(DST):c.20117T>G (p.Ile6706Ser)

Gene: DST (dystonin; minus strand). Cytogenetic location: 6p12.1.
Variant type: single nucleotide variant.
Coding change: c.20117T>G on transcript NM_001374736.1 (MANE Select); coding-DNA position 20117, T replaced by G.
Protein change: p.Ile6706Ser; replaces isoleucine 6706 with serine.
Molecular consequence: missense variant.
Genome position (GRCh38, 1-based): chr6:56,497,485, A>C on the plus strand (T>G on the coding strand, the complement: DST is on the minus strand). VCF-style: chr6-56497485-A-C. GRCh37 (hg19) VCF-style: chr6-56362283-A-C.
Other names: c.13760T>G, p.Ile4587Ser (NM_001144769.5); c.13346T>G, p.Ile4449Ser (NM_001144770.2); c.20117T>G, p.Ile6706Ser (NM_001374722.1); c.19157T>G, p.Ile6386Ser (NM_001374729.1); c.12899T>G, p.Ile4300Ser (NM_001374730.1); c.20144T>G, p.Ile6715Ser (NM_001374734.1); c.13226T>G, p.Ile4409Ser (NM_001386100.1, NM_183380.4); c.12248T>G, p.Ile4083Ser (NM_015548.5); short protein forms I4409S, I4449S, I6706S, I4083S, I4300S, I6386S, I4587S, I6715S.
Identifiers: ClinVar variation 2148734 (VCV002148734.2), dbSNP rs1038902500, ClinGen allele CA139191523.

ClinVar aggregate classification (germline): Uncertain significance (1 of 4 stars; one submission).

Conditions:
Hereditary sensory and autonomic neuropathy type 6. Also called: Neuropathy, hereditary sensory and autonomic, type VI; HSAN VI. Identifiers: Orphanet 314381, MedGen C3539003, MONDO:0013839, OMIM 614653.
Epidermolysis bullosa simplex 3, localized or generalized intermediate, with BP230 deficiency (EBS3). Also called: Epidermolysis bullosa simplex due to BP230 deficiency; Epidermolysis bullosa simplex, autosomal recessive 2. Identifiers: Orphanet 412181, MedGen C3809470, MONDO:0014180, OMIM 615425.

gnomAD v4.1: 4 of 1,612,934 alleles (0.00025%); highest among the groups gnomAD compares: Admixed American, 0.0017%; no homozygotes.

Submission:

Labcorp Genetics (formerly Invitae), Labcorp
Classification: Uncertain significance for Epidermolysis bullosa simplex 3, localized or generalized intermediate, with BP230 deficiency; Hereditary sensory and autonomic neuropathy type 6. Last evaluated: 2022-08-10. Review status: criteria provided, single submitter. Criteria: Invitae Variant Classification Sherloc (09022015). Collection method: clinical testing. Allele origin: germline.
Comment: In summary, the available evidence is currently insufficient to determine the role of this variant in disease. Therefore, it has been classified as a Variant of Uncertain Significance. Experimental studies and prediction algorithms are not available or were not evaluated, and the functional significance of this variant is currently unknown. This variant has not been reported in the literature in individuals affected with DST-related conditions. This variant is not present in population databases (gnomAD no frequency). This sequence change replaces isoleucine, which is neutral and non-polar, with serine, which is neutral and polar, at codon 4083 of the DST protein (p.Ile4083Ser). The DST gene has multiple clinically relevant transcripts. This variant occurs in alternate transcript NM_015548.4, and corresponds to NM_001723.5:c.*118032T>G in the primary transcript.